The following is an entry in ClinVar:

NM_001127222.2(CACNA1A):c.3817AAC[1] (p.Asn1274del)

Gene: CACNA1A (calcium voltage-gated channel subunit alpha1 A; minus strand). Cytogenetic location: 19p13.13.
Variant type: Microsatellite.
Coding change: c.3817AAC[1] on transcript NM_001127222.2 (MANE Select); one copy of the 3-base unit AAC starting at c.3817; the reference has two copies in a row; one copy, 3 bases deleted.
Protein change: p.Asn1274del; deletes asparagine 1274.
Molecular consequence: inframe deletion.
Genome position (GRCh38, 1-based): chr19:13,283,267-13,283,269, GTT deleted on the plus strand (AAC on the coding strand, the reverse complement: CACNA1A is on the minus strand); deleting any 3 consecutive bases within chr19:13,283,267-13,283,272 gives the same sequence; the position shown is the placement nearest the transcript's 3' end. VCF-style (leftmost placement, unchanged base first): chr19-13283266-CGTT-C. GRCh37 (hg19) VCF-style: chr19-13394080-CGTT-C.
Other names: c.3823_3825delAAC (NM_001127221.1); c.3829AAC[1], p.Asn1278del (NM_000068.4, NM_023035.3); c.3820AAC[1], p.Asn1275del (NM_001127221.2, NM_001174080.2); short protein forms N1275del, N1274del, N1278del.
Identifiers: ClinVar variation 426946 (VCV000426946.10), dbSNP rs1085307864, ClinGen allele CA645293916.

ClinVar aggregate classification (germline): Uncertain significance. Review status: criteria provided, multiple submitters, no conflicts (2 of 4 stars). 2 submissions from 2 submitters: Uncertain significance (2). Last evaluated 2018-04-07.

Conditions:
Episodic ataxia type 2 (EA2). Also called: ATAXIA, EPISODIC, WITH NYSTAGMUS; ATAXIA, FAMILIAL PAROXYSMAL; CEREBELLAR ATAXIA, PAROXYSMAL, ACETAZOLAMIDE-RESPONSIVE; CEREBELLOPATHY, HEREDITARY PAROXYSMAL; EPISODIC ATAXIA, NYSTAGMUS-ASSOCIATED; ACETAZOLAMIDE-RESPONSIVE HEREDITARY PAROXYSMAL CEREBELLAR ATAXIA. Identifiers: Orphanet 97, MedGen C1720416, MONDO:0007163, OMIM 108500.
Developmental and epileptic encephalopathy, 42 (DEE42A). Also called: Epileptic encephalopathy, early infantile, 42; DEVELOPMENTAL AND EPILEPTIC ENCEPHALOPATHY 42A; EPILEPTIC ENCEPHALOPATHY, EARLY INFANTILE, 42A. Identifiers: MedGen C4310716, MONDO:0014917, OMIM 617106.

Submissions (2):

Labcorp Genetics (formerly Invitae), Labcorp
Classification: Uncertain significance for Developmental and epileptic encephalopathy, 42; Episodic ataxia type 2. Last evaluated: 2018-04-07. Review status: criteria provided, single submitter. Criteria: Invitae Variant Classification Sherloc (09022015). Collection method: clinical testing. Allele origin: germline.
Comment: This variant, c.3823_3825delAAC, results in the deletion of 1 amino acid of the CACNA1A protein (p.Asn1275del), but otherwise preserves the integrity of the reading frame. This variant is not present in population databases (ExAC no frequency). This variant has not been reported in the literature in individuals with CACNA1A-related disease. ClinVar contains an entry for this variant (Variation ID: 426946). Experimental studies and prediction algorithms are not available for this variant, and the functional significance of the deleted amino acid is currently unknown. Algorithms developed to predict the effect of sequence changes on RNA splicing suggest that this variant may disrupt the consensus splice site, but this prediction has not been confirmed by published transcriptional studies. In summary, the available evidence is currently insufficient to determine the role of this variant in disease. Therefore, it has been classified as a Variant of Uncertain Significance.

GeneDx
Classification: Uncertain significance. Last evaluated: 2017-03-23. Review status: criteria provided, single submitter. Criteria: GeneDx Variant Classification (06012015). Collection method: clinical testing. Allele origin: germline. Affected: yes.
Comment: A variant of uncertain significance has been identified in the CACNA1A gene. The c.3823_3825delAAC variant has not been published as a pathogenic variant, nor has it been reported as a benign variant to our knowledge. The c.3823_3825delAAC variant is not observed in large population cohorts (Lek et al., 2016; 1000 Genomes Consortium et al., 2015; Exome Variant Server). The c.3823_3825delAAC variant results in an in-frame deletion of one amino acid, denoted p.Asn1275del. This deletion occurs at a position that is conserved in mammals. However, the c.3823_3825delAAC variant is not predicted to cause loss of normal protein function through protein truncation or nonsense-mediated mRNA decay. Therefore, based on the currently available information, it is unclear whether this variant is a pathogenic variant or a rare benign variant.